The following is an entry in ClinVar:

NM_022455.5(NSD1):c.6701C>G (p.Thr2234Ser)

Gene: NSD1 (nuclear receptor binding SET domain protein 1; plus strand). Cytogenetic location: 5q35.3.
Variant type: single nucleotide variant.
Coding change: c.6701C>G on transcript NM_022455.5 (MANE Select); coding-DNA position 6701, C replaced by G.
Protein change: p.Thr2234Ser; replaces threonine 2234 with serine.
Molecular consequence: missense variant.
Genome position (GRCh38, 1-based): chr5:177,294,069, C>G. VCF-style: chr5-177294069-C-G. GRCh37 (hg19) VCF-style: chr5-176721070-C-G.
Other names: c.5828C>G, p.Thr1943Ser (NM_001365684.2, NM_001409308.1, NM_172349.5); c.6701C>G, p.Thr2234Ser (NM_001409301.1, NM_001409302.1, NM_001409303.1); c.6281C>G, p.Thr2094Ser (NM_001409304.1); c.5948C>G, p.Thr1983Ser (NM_001409305.1); c.5939C>G, p.Thr1980Ser (NM_001409306.1, NM_001409307.1); c.5579C>G, p.Thr1860Ser (NM_001409309.1); short protein forms T1860S, T1943S, T1980S, T1983S, T2094S, T2234S.
Identifiers: ClinVar variation 2636297 (VCV002636297.1), dbSNP rs2480829874, ClinGen allele CA362325079.

ClinVar aggregate classification (germline): Uncertain significance (1 of 4 stars; one submission).

Conditions:
NSD1-related disorder. Also called: NSD1-related condition.

Allele frequency attached by ClinVar (database versions not stated): gnomAD exomes 0.00001.
gnomAD v4.1: 14 of 1,614,088 alleles (0.00087%); highest among the groups gnomAD compares: Non-Finnish European, 0.0011%; no homozygotes.

Submission:

PreventionGenetics, part of Exact Sciences
Classification: Uncertain significance for NSD1-related condition. Last evaluated: 2022-08-22. Review status: criteria provided, single submitter. Criteria: ACMG Guidelines, 2015. Collection method: clinical testing. Allele origin: germline.
Comment: The NSD1 c.6701C>G variant is predicted to result in the amino acid substitution p.Thr2234Ser. To our knowledge, this variant has not been reported in the literature or in a large population database, indicating this variant is rare. At this time, the clinical significance of this variant is uncertain due to the absence of conclusive functional and genetic evidence.